The following is an entry in ClinVar:

NM_000260.4(MYO7A):c.3108+1G>A

Gene: MYO7A (myosin VIIA; plus strand). Cytogenetic location: 11q13.5.
Variant type: single nucleotide variant.
Coding change: c.3108+1G>A on transcript NM_000260.4 (MANE Select); the canonical splice donor site of the intron after coding-DNA position 3108, G replaced by A.
Molecular consequence: splice donor variant.
Genome position (GRCh38, 1-based): chr11:77,182,155, G>A. VCF-style: chr11-77182155-G-A. GRCh37 (hg19) VCF-style: chr11-76893201-G-A.
Other names: c.3075+1G>A (NM_001369365.1); c.3108+1G>A (NM_001127180.2, NM_000260.3).
Identifiers: ClinVar variation 1518157 (VCV001518157.7), dbSNP rs2135495180, ClinGen allele CA381944393.

ClinVar aggregate classification (germline): Likely pathogenic. Review status: criteria provided, multiple submitters, no conflicts (2 of 4 stars). 2 submissions from 2 submitters: Likely pathogenic (2). Last evaluated 2024-10-08.

Conditions:
Autosomal recessive nonsyndromic hearing loss 2. Also called: NEUROSENSORY NONSYNDROMIC RECESSIVE DEAFNESS 2; DEAFNESS, AUTOSOMAL RECESSIVE 2. Identifiers: Orphanet 90636, MedGen C1838701, MONDO:0010807, OMIM 600060.

Submissions (2):

Victorian Clinical Genetics Services, Murdoch Childrens Research Institute
Classification: Likely pathogenic for Autosomal recessive nonsyndromic hearing loss 2. Last evaluated: 2024-10-08. Review status: criteria provided, single submitter. Criteria: ACMG Guidelines, 2015. Collection method: clinical testing. Allele origin: germline. Inheritance: Autosomal recessive inheritance. Affected: yes.
Comment: Based on the classification scheme VCGS_Germline_v1.3.4, this variant is classified as Likely pathogenic. Following criteria are met: 0102 - Loss of function is a known mechanism of disease in this gene and is associated with deafness, autosomal dominant 11 (MIM#601317), deafness, autosomal recessive 2 (MIM#600060) and Usher syndrome, type 1B (MIM#276900). In addition, dominant negative is the suggested mechanism for missense variants in autosomal dominant inheritance (OMIM, PMID: 23383098). (I) 0108 - This gene is associated with both recessive and dominant disease. While the genotype-phenotype correlation is unestablished, missense variants causing autosomal dominant inheritance are rare and are not localised to a specific protein region (OMIM). (I) 0211 - Canonical splice site variant without proven consequence on splicing (no functional evidence available). (SP) 0251 - This variant is heterozygous. (I) 0301 - Variant is absent from gnomAD (both v2 and v3). (SP) 0505 - Abnormal splicing is predicted by in silico tools and affected nucleotide is highly conserved. (SP) 0705 - No comparable splice site variants have previous evidence for pathogenicity. (I) 0803 - This variant has limited previous evidence of pathogenicity in unrelated individuals. This variant has been reported as likely pathogenic once in ClinVar and in the literature as homozygous in an individual with Usher syndrome type 1 (PMID: 22135276). (SP) 0905 - No published segregation evidence has been identified for this variant. (I) 1007 - No published functional evidence has been identified for this variant. (I) 1201 - Heterozygous variant detected in trans with a second pathogenic heterozygous variant (c.635G>A; p.(Arg212His)) in a recessive disease. (I) Legend: (SP) - Supporting pathogenic, (I) - Information, (SB) - Supporting benign

Labcorp Genetics (formerly Invitae), Labcorp
Classification: Likely pathogenic. Last evaluated: 2024-02-08. Review status: criteria provided, single submitter. Criteria: Invitae Variant Classification Sherloc (09022015). Collection method: clinical testing. Allele origin: germline.
Comment: This sequence change affects a donor splice site in intron 24 of the MYO7A gene. It is expected to disrupt RNA splicing. Variants that disrupt the donor or acceptor splice site typically lead to a loss of protein function (PMID: 16199547), and loss-of-function variants in MYO7A are known to be pathogenic (PMID: 8900236, 25404053). This variant is not present in population databases (gnomAD no frequency). Disruption of this splice site has been observed in individual(s) with Usher syndrome type 1 (PMID: 22135276). ClinVar contains an entry for this variant (Variation ID: 1518157). Algorithms developed to predict the effect of sequence changes on RNA splicing suggest that this variant may disrupt the consensus splice site. In summary, the currently available evidence indicates that the variant is pathogenic, but additional data are needed to prove that conclusively. Therefore, this variant has been classified as Likely Pathogenic.

Literature cited by the submitters: PubMed 22135276 (cited by Victorian Clinical Genetics Services, Murdoch Childrens Research Institute and Labcorp Genetics (formerly Invitae), Labcorp); PubMed 23383098 (cited by Victorian Clinical Genetics Services, Murdoch Childrens Research Institute); PubMed 16199547 (cited by Labcorp Genetics (formerly Invitae), Labcorp); PubMed 8900236 (cited by Labcorp Genetics (formerly Invitae), Labcorp); PubMed 25404053 (cited by Labcorp Genetics (formerly Invitae), Labcorp).